The following is an entry in ClinVar:

ClinVar aggregate classification (germline): Uncertain significance (1 of 4 stars; one submission).

Conditions:
Cardiovascular phenotype. Identifiers: MedGen CN230736.

Submission:

Ambry Genetics
Classification: Uncertain significance for Cardiovascular phenotype. Last evaluated: 2025-06-10. Review status: criteria provided, single submitter. Criteria: Ambry Variant Classification Scheme 2023. Collection method: clinical testing. Allele origin: germline.
Comment: The p.V222A variant (also known as c.665T>C), located in coding exon 5 of the GATAD1 gene, results from a T to C substitution at nucleotide position 665. The valine at codon 222 is replaced by alanine, an amino acid with similar properties. This amino acid position is conserved. In addition, this alteration is predicted to be deleterious by in silico analysis. Based on the available evidence, the clinical significance of this variant remains unclear.

NM_021167.5(GATAD1):c.665T>C (p.Val222Ala)

Gene: GATAD1 (GATA zinc finger domain containing 1; plus strand). Cytogenetic location: 7q21.2.
Variant type: single nucleotide variant.
Coding change: c.665T>C on transcript NM_021167.5 (MANE Select); coding-DNA position 665, T replaced by C.
Protein change: p.Val222Ala; replaces valine 222 with alanine.
Molecular consequence: missense variant. On other transcripts: non-coding transcript variant (1).
Genome position (GRCh38, 1-based): chr7:92,456,417, T>C. VCF-style: chr7-92456417-T-C. GRCh37 (hg19) VCF-style: chr7-92085731-T-C.
Other names: short protein forms V222A.
Identifiers: ClinVar variation 4028561 (VCV004028561.1).